The following is an entry in ClinVar:

NM_001719.3(BMP7):c.882G>A (p.Thr294=)

Gene: BMP7 (bone morphogenetic protein 7; minus strand). Cytogenetic location: 20q13.31.
Variant type: single nucleotide variant.
Coding change: c.882G>A on transcript NM_001719.3 (MANE Select); coding-DNA position 882, G replaced by A.
Protein change: p.Thr294=; no amino-acid change (threonine 294 retained).
Molecular consequence: synonymous variant.
Genome position (GRCh38, 1-based): chr20:57,183,798, C>T on the plus strand (G>A on the coding strand, the complement: BMP7 is on the minus strand). VCF-style: chr20-57183798-C-T. GRCh37 (hg19) VCF-style: chr20-55758854-C-T.
Identifiers: ClinVar variation 3357883 (VCV003357883.1).

ClinVar aggregate classification (germline): Likely benign (0 of 4 stars; one submission).

Conditions:
BMP7-related disorder. Also called: BMP7-related condition.

gnomAD v4.1: 25 of 1,614,082 alleles (0.0015%); highest among the groups gnomAD compares: Admixed American, 0.0033%; no homozygotes.

Submission:

PreventionGenetics, part of Exact Sciences
Classification: Likely benign for BMP7-related condition. Last evaluated: 2024-05-29. Review status: no assertion criteria provided. Collection method: clinical testing. Allele origin: germline.
Comment: This variant is classified as likely benign based on ACMG/AMP sequence variant interpretation guidelines (Richards et al. 2015 PMID: 25741868, with internal and published modifications).